The following is an entry in ClinVar:

NM_020791.4(TAOK1):c.1064C>T (p.Pro355Leu)

Gene: TAOK1 (TAO kinase 1; plus strand). Cytogenetic location: 17q11.2.
Variant type: single nucleotide variant.
Coding change: c.1064C>T on transcript NM_020791.4 (MANE Select); coding-DNA position 1064, C replaced by T.
Protein change: p.Pro355Leu; replaces proline 355 with leucine.
Molecular consequence: missense variant.
Genome position (GRCh38, 1-based): chr17:29,498,382, C>T. VCF-style: chr17-29498382-C-T. GRCh37 (hg19) VCF-style: chr17-27825400-C-T.
Other names: c.1064C>T, p.Pro355Leu (NM_025142.1); short protein forms P355L.
Identifiers: ClinVar variation 2501629 (VCV002501629.1), dbSNP rs777374325, ClinGen allele CA8474600.
Genomic context (GRCh38, chr17:29,498,382, plus strand): 5'-AAGATCATGGTGTTGGCCGGACAGGAACAGTTAATAGTGTTGGAAGTAATCAATCCATTC[C>T]CAGCATGTCCATCAGTGCCAGCAGCCAAAGCAGTAGTGTTAACAGTCTTCCAGATGTCTC-3'
Protein context (NP_065842.1, residues 345-365): VNSVGSNQSI[Pro355Leu]SMSISASSQS

ClinVar aggregate classification (germline): Uncertain significance (1 of 4 stars; one submission).

Allele frequency attached by ClinVar (database versions not stated): ExAC 0.00001; gnomAD 0.00001.
gnomAD v4.1: 1 of 1,613,976 alleles (0.000062%); highest among the groups gnomAD compares: Non-Finnish European, 0.000085%; no homozygotes.

Submission:

GeneDx
Classification: Uncertain significance. Last evaluated: 2022-11-02. Review status: criteria provided, single submitter. Criteria: GeneDx Variant Classification Process June 2021. Collection method: clinical testing. Allele origin: germline. Affected: yes.
Comment: Not observed at significant frequency in large population cohorts (gnomAD); In silico analysis supports that this missense variant has a deleterious effect on protein structure/function; Has not been previously published as pathogenic or benign to our knowledge